The following is an entry in ClinVar:

NM_002336.3(LRP6):c.4247A>G (p.His1416Arg)

Gene: LRP6 (LDL receptor related protein 6; minus strand). Cytogenetic location: 12p13.2.
Variant type: single nucleotide variant.
Coding change: c.4247A>G on transcript NM_002336.3 (MANE Select); coding-DNA position 4247, A replaced by G.
Protein change: p.His1416Arg; replaces histidine 1416 with arginine.
Molecular consequence: missense variant.
Genome position (GRCh38, 1-based): chr12:12,126,756, T>C on the plus strand (A>G on the coding strand, the complement: LRP6 is on the minus strand). VCF-style: chr12-12126756-T-C. GRCh37 (hg19) VCF-style: chr12-12279690-T-C.
Other names: c.4340A>G, p.His1447Arg (NM_001414244.1); c.4247A>G, p.His1416Arg (NM_001414245.1, NM_001414248.1, NM_001414249.1 and 1 more transcripts); c.4112A>G, p.His1371Arg (NM_001414246.1); c.4049A>G, p.His1350Arg (NM_001414247.1); c.3884A>G, p.His1295Arg (NM_001414251.1); c.3794A>G, p.His1265Arg (NM_001414252.1, NM_001414253.1, NM_001414254.1); c.3740A>G, p.His1247Arg (NM_001414255.1); short protein forms H1247R, H1265R, H1295R, H1350R, H1371R, H1416R, H1447R.
Identifiers: ClinVar variation 2417857 (VCV002417857.6), dbSNP rs776833699, ClinGen allele CA6455008.

ClinVar aggregate classification (germline): Uncertain significance (1 of 4 stars; one submission).

Allele frequency attached by ClinVar (database versions not stated): gnomAD exomes 0.00001; TOPMed 0.00001; ExAC 0.00002; gnomAD 0.00003.
gnomAD v4.1: 23 of 1,614,024 alleles (0.0014%); highest among the groups gnomAD compares: African/African-American, 0.004%; no homozygotes.

Submission:

Labcorp Genetics (formerly Invitae), Labcorp
Classification: Uncertain significance. Last evaluated: 2023-10-28. Review status: criteria provided, single submitter. Criteria: Invitae Variant Classification Sherloc (09022015). Collection method: clinical testing. Allele origin: germline.
Comment: This sequence change replaces histidine, which is basic and polar, with arginine, which is basic and polar, at codon 1416 of the LRP6 protein (p.His1416Arg). This variant is present in population databases (rs776833699, gnomAD 0.007%). This variant has not been reported in the literature in individuals affected with LRP6-related conditions. ClinVar contains an entry for this variant (Variation ID: 2417857). Advanced modeling of protein sequence and biophysical properties (such as structural, functional, and spatial information, amino acid conservation, physicochemical variation, residue mobility, and thermodynamic stability) performed at Invitae indicates that this missense variant is not expected to disrupt LRP6 protein function with a negative predictive value of 80%. In summary, the available evidence is currently insufficient to determine the role of this variant in disease. Therefore, it has been classified as a Variant of Uncertain Significance.